The following is an entry in ClinVar:

NM_004304.5(ALK):c.1645G>A (p.Glu549Lys)

Gene: ALK (ALK receptor tyrosine kinase; minus strand). Cytogenetic location: 2p23.2.
Variant type: single nucleotide variant.
Coding change: c.1645G>A on transcript NM_004304.5 (MANE Select); coding-DNA position 1645, G replaced by A.
Protein change: p.Glu549Lys; replaces glutamic acid 549 with lysine.
Molecular consequence: missense variant.
Genome position (GRCh38, 1-based): chr2:29,318,306, C>T on the plus strand (G>A on the coding strand, the complement: ALK is on the minus strand). VCF-style: chr2-29318306-C-T. GRCh37 (hg19) VCF-style: chr2-29541172-C-T.
Other names: short protein forms E549K.
Identifiers: ClinVar variation 851756 (VCV000851756.12), dbSNP rs1388997240, ClinGen allele CA346470761.
Genomic context (GRCh38, chr2:29,318,306, plus strand): 5'-CGGAAGTGACAAGAGGTGGGAGGAGAAATTAGAGAACTAGAGAAACAAGGAGACTTGCCT[C>T]ACATGGAGAGCTCTTGATCGGTGCAGGAAACGTAGCACTGGTCACTGTAGCACTTTCAGA-3'
Protein context (NP_004295.2, residues 539-559): FPAPIKSSPC[Glu549Lys]LRMSWLIRGV

ClinVar aggregate classification (germline): Uncertain significance. Review status: criteria provided, multiple submitters, no conflicts (2 of 4 stars). 4 submissions from 4 submitters: Uncertain significance (4). Last evaluated 2025-10-01.

Conditions:
Neuroblastoma, susceptibility to, 3. Also called: ALK-Related Neuroblastic Tumor Susceptibility. Identifiers: Orphanet 635, MedGen C2751681, MONDO:0013083, OMIM 613014.
Hereditary cancer-predisposing syndrome. Also called: Neoplastic Syndromes, Hereditary; Hereditary Cancer Syndrome; Hereditary neoplastic syndrome; Tumor predisposition. Identifiers: Orphanet 140162, MedGen C0027672, MeSH D009386, MONDO:0015356.

Allele frequency attached by ClinVar (database versions not stated): gnomAD exomes below 0.00001 and 0.00001; TOPMed 0.00002; gnomAD 0.00003.
gnomAD v4.1: 7 of 1,611,340 alleles (0.00043%); highest among the groups gnomAD compares: African/African-American, 0.0067%; no homozygotes.

Submissions (4):

Labcorp Genetics (formerly Invitae), Labcorp
Classification: Uncertain significance for Neuroblastoma, susceptibility to, 3. Last evaluated: 2025-10-01. Review status: criteria provided, single submitter. Criteria: Invitae Variant Classification Sherloc (09022015). Collection method: clinical testing. Allele origin: germline.
Comment: This sequence change replaces glutamic acid, which is acidic and polar, with lysine, which is basic and polar, at codon 549 of the ALK protein (p.Glu549Lys). This variant is present in population databases (no rsID available, gnomAD 0.007%). This variant has not been reported in the literature in individuals affected with ALK-related conditions. ClinVar contains an entry for this variant (Variation ID: 851756). An algorithm developed to predict the effect of missense changes on protein structure and function (PolyPhen-2) suggests that this variant is likely to be disruptive. Algorithms developed to predict the effect of sequence changes on RNA splicing suggest that this variant may create or strengthen a splice site. In summary, the available evidence is currently insufficient to determine the role of this variant in disease. Therefore, it has been classified as a Variant of Uncertain Significance.

Ambry Genetics
Classification: Uncertain significance for Hereditary cancer-predisposing syndrome. Last evaluated: 2024-03-04. Review status: criteria provided, single submitter. Criteria: Ambry Variant Classification Scheme 2023. Collection method: clinical testing. Allele origin: germline.
Comment: The p.E549K variant (also known as c.1645G>A), located in coding exon 8 of the ALK gene, results from a G to A substitution at nucleotide position 1645. The glutamic acid at codon 549 is replaced by lysine, an amino acid with similar properties. This amino acid position is conserved. In addition, the in silico prediction for this alteration is inconclusive. Since supporting evidence is limited at this time, the clinical significance of this alteration remains unclear.

GeneDx
Classification: Uncertain significance. Last evaluated: 2023-12-10. Review status: criteria provided, single submitter. Criteria: GeneDx Variant Classification Process June 2021. Collection method: clinical testing. Allele origin: germline. Affected: yes.
Comment: Not observed at significant frequency in large population cohorts (gnomAD); In silico analysis supports that this missense variant does not alter protein structure/function; Has not been previously published as pathogenic or benign to our knowledge; In silico analysis suggests this variant may impact gene splicing. In the absence of RNA/functional studies, the actual effect of this sequence change is unknown.

Sema4
Classification: Uncertain significance for Hereditary cancer-predisposing syndrome. Last evaluated: 2022-01-26. Review status: criteria provided, single submitter. Criteria: Sema4 Curation Guidelines. Collection method: curation. Allele origin: germline.
Comment: The ALK c.1645G>A (p.E549K) variant has not been reported in the literature to our knowledge. It was observed in 2/251424 chromosomes in the large and broad cohorts of the Genome Aggregation Database (PMID: 32461654). This variant has been reported in ClinVar (Variation ID 851756). Functional studies have not been performed, and in silico predictions of the variant's effect on protein function are inconclusive. The evidence is insufficient to meet ACMG/AMP criteria for classifying the variant as benign or pathogenic. Thus, the clinical significance of this variant is currently uncertain.